The following is an entry in ClinVar:

NM_014679.5(CEP57):c.8C>T (p.Ala3Val)

Genes: CEP57 (centrosomal protein 57; plus strand), LOC130006618 (ATAC-STARR-seq lymphoblastoid active region 5417; plus strand). Cytogenetic location: 11q21.
Variant type: single nucleotide variant.
Coding change: c.8C>T on transcript NM_014679.5 (MANE Select); coding-DNA position 8, C replaced by T.
Protein change: p.Ala3Val; replaces alanine 3 with valine.
Molecular consequence: missense variant. On other transcripts: 5 prime UTR variant (2).
Genome position (GRCh38, 1-based): chr11:95,790,706, C>T. VCF-style: chr11-95790706-C-T. GRCh37 (hg19) VCF-style: chr11-95523870-C-T.
Other names: c.-64C>T (NM_001243776.2); c.8C>T, p.Ala3Val (NM_001243777.2); c.-387C>T (NM_001363604.2); short protein forms A3V.
Identifiers: ClinVar variation 1409051 (VCV001409051.6), dbSNP rs1351785176, ClinGen allele CA382412938.

ClinVar aggregate classification (germline): Uncertain significance (1 of 4 stars; one submission).

Conditions:
Mosaic variegated aneuploidy syndrome 2 (MVA2). Identifiers: Orphanet 1052, MedGen C3279843, MONDO:0013582, OMIM 614114.

Allele frequency attached by ClinVar (database versions not stated): gnomAD exomes below 0.00001; TOPMed below 0.00001.
gnomAD v4.1: 1 of 1,614,032 alleles (0.000062%); highest among the groups gnomAD compares: African/African-American, 0.0013%; no homozygotes.

Submission:

Labcorp Genetics (formerly Invitae), Labcorp
Classification: Uncertain significance for Mosaic variegated aneuploidy syndrome 2. Last evaluated: 2021-09-07. Review status: criteria provided, single submitter. Criteria: Invitae Variant Classification Sherloc (09022015). Collection method: clinical testing. Allele origin: germline.
Comment: This sequence change replaces alanine with valine at codon 3 of the CEP57 protein (p.Ala3Val). The alanine residue is moderately conserved and there is a small physicochemical difference between alanine and valine. This variant is not present in population databases (ExAC no frequency). This variant has not been reported in the literature in individuals affected with CEP57-related conditions. Algorithms developed to predict the effect of missense changes on protein structure and function are either unavailable or do not agree on the potential impact of this missense change (SIFT: "Tolerated"; PolyPhen-2: "Not Available"; Align-GVGD: "Class C0"). In summary, the available evidence is currently insufficient to determine the role of this variant in disease. Therefore, it has been classified as a Variant of Uncertain Significance.